The following is an entry in ClinVar:

ClinVar aggregate classification (germline): Pathogenic (1 of 4 stars; one submission).

Conditions:
Lynch syndrome 4 (LYNCH4). Also called: Hereditary non-polyposis colorectal cancer, type 4; Colorectal cancer, hereditary nonpolyposis, type 4. Identifiers: Orphanet 144, MedGen C1838333, MONDO:0013699, OMIM 614337. Disease mechanism: loss of function.

Submission:

Myriad Genetics, Inc.
Classification: Pathogenic for Lynch syndrome 4. Last evaluated: 2023-09-18. Review status: criteria provided, single submitter. Criteria: Myriad Autosomal Dominant, Autosomal Recessive and X-Linked Classification Criteria (2023). Collection method: clinical testing. Allele origin: unknown.
Comment: This variant is considered pathogenic. This variant creates a frameshift predicted to result in premature protein truncation.

NM_000535.7(PMS2):c.487_497del (p.Phe163fs)

Gene: PMS2 (PMS1 homolog 2, mismatch repair system component; minus strand). Cytogenetic location: 7p22.1.
Variant type: Deletion.
Coding change: c.487_497del on transcript NM_000535.7 (MANE Select); coding-DNA positions 487 to 497, 11 bases deleted (TTTTCCACACT).
Protein change: p.Phe163fs; shifts the reading frame from phenylalanine 163.
Molecular consequence: frameshift variant. On other transcripts: 5 prime UTR variant (2), non-coding transcript variant (1), intron variant (1).
Genome position (GRCh38, 1-based): chr7:6,002,493-6,002,503, AGTGTGGAAAA deleted on the plus strand (TTTTCCACACT on the coding strand, the reverse complement: PMS2 is on the minus strand). VCF-style (leftmost placement, unchanged base first): chr7-6002492-TAGTGTGGAAAA-T. GRCh37 (hg19) VCF-style: chr7-6042123-TAGTGTGGAAAA-T.
Other names: c.82_92delTTTTCCACACT, p.Phe28Thrfs (NM_001018040.1); c.82_92del, p.Phe28fs (NM_001322003.2, NM_001322004.2, NM_001322005.2 and 24 more transcripts); c.487_497del, p.Phe163fs (NM_001322006.2, NM_001322014.2, NM_001406869.1 and 8 more transcripts); c.169_179del, p.Phe57fs (NM_001322007.2, NM_001322008.2, NM_001406876.1 and 4 more transcripts); c.-398_-388del (NM_001322011.2, NM_001322012.2); c.178_188del, p.Phe60fs (NM_001322015.2, NM_001406875.1, NM_001406877.1 and 6 more transcripts); c.673_683del, p.Phe225fs (NM_001406866.1); c.511_521del, p.Phe171fs (NM_001406868.1); and 1 more; short protein forms F163fs, F171fs, F225fs, F28fs, F57fs, F60fs.
Identifiers: ClinVar variation 2674256 (VCV002674256.1), dbSNP rs2536436605, ClinGen allele CA2695198420.
Genomic context (GRCh38, chr7:6,002,492, plus strand): 5'-ACCAGGATTAATTTACTGTACCTTCTTAATATTCCTTTGAAATTCCTTATGGCGCACAGG[TAGTGTGGAAAA>T]TAACTGCTGCACGCTGACTGTGGTCCCTCTGGGGCGGGGGTAGGGGGTTTTCTGGATAAT-3'